The following is an entry in ClinVar:

ClinVar aggregate classification (germline): Pathogenic (1 of 4 stars; one submission).

Conditions:
Hereditary breast ovarian cancer syndrome. Also called: Hereditary breast and ovarian cancer syndrome; Hereditary breast and/or ovarian cancer syndrome; Hereditary breast and ovarian cancer syndrome (HBOC); Hereditary breast and ovarian cancer; Breast and ovarian cancer; BRCA1- and BRCA2-Associated Hereditary Breast and Ovarian Cancer. Identifiers: Orphanet 145, MedGen C0677776, MeSH D061325, MONDO:0003582. Disease mechanism: loss of function.

Submission:

Women's Health and Genetics/Laboratory Corporation of America, LabCorp
Classification: Pathogenic for Hereditary breast ovarian cancer syndrome. Last evaluated: 2025-03-06. Review status: criteria provided, single submitter. Criteria: LabCorp Variant Classification Summary - May 2015. Collection method: clinical testing. Allele origin: germline.
Comment: Variant summary: The variant involves the deletion of exons 9 and 10 in the CHEK2 gene. This Copy Number Variant (CNV) is expected to alter the reading frame and predicted to result in a truncation or absence of the encoded protein due to nonsense mediated decay (NMD). A presumed nomenclature of c.(908+1_909-1)_(1095+1_1096-1)del has been designated for the purposes of this classification. The variant was absent in 21694 control chromosomes in the gnomAD database (Structural Variants v2.1 dataset). Deletion of exons 9 and 10 has been reported in the literature in multiple individuals affected with various types of cancer (LaDuca_2014, Walsh_2006, Cybulski_2006, Schrader_2016). The variant is considered to be a founder mutation identified in Slavic populations (Cybulski_2006). These data indicate that the variant is very likely to be associated with disease. To our knowledge, no experimental evidence demonstrating an impact on protein function has been reported. The following publications have been ascertained in the context of this evaluation (PMID: 17085682, 24763289, 26556299, 16551709). ClinVar contains an entry for this variant (Variation ID: 584576). Based on the evidence outlined above, the variant was classified as pathogenic.

Literature cited by the submitters: PubMed 16551709; PubMed 24763289; PubMed 26556299; PubMed 17085682.

NC_000022.11:g.(28695874_28696900)_(28699938_28703504)del

Gene: CHEK2 (checkpoint kinase 2; minus strand). Cytogenetic location: 22q12.1.
Variant type: Deletion.
Identifiers: ClinVar variation 981983 (VCV000981983.2).